The following is an entry in ClinVar:

NM_000264.5(PTCH1):c.1399G>A (p.Gly467Ser)

Gene: PTCH1 (patched 1; minus strand). Cytogenetic location: 9q22.32.
Variant type: single nucleotide variant.
Coding change: c.1399G>A on transcript NM_000264.5 (MANE Select); coding-DNA position 1399, G replaced by A.
Protein change: p.Gly467Ser; replaces glycine 467 with serine.
Molecular consequence: missense variant. On other transcripts: non-coding transcript variant (1), intron variant (1).
Genome position (GRCh38, 1-based): chr9:95,477,651, C>T on the plus strand (G>A on the coding strand, the complement: PTCH1 is on the minus strand). VCF-style: chr9-95477651-C-T. GRCh37 (hg19) VCF-style: chr9-98239933-C-T.
Other names: c.1201G>A, p.Gly401Ser (NM_001083602.3); c.1396G>A, p.Gly466Ser (NM_001083603.3); c.946G>A, p.Gly316Ser (NM_001083604.3, NM_001083605.3, NM_001083606.3 and 1 more transcripts); c.1347+404G>A (NM_001354918.2); short protein forms G401S, G467S, G316S, G466S.
Identifiers: ClinVar variation 1771703 (VCV001771703.3), dbSNP rs1467995355, ClinGen allele CA374118575.

ClinVar aggregate classification (germline): Uncertain significance (1 of 4 stars; one submission).

Conditions:
Hereditary cancer-predisposing syndrome. Also called: Hereditary Cancer Syndrome; Hereditary neoplastic syndrome; Neoplastic Syndromes, Hereditary; Tumor predisposition. Identifiers: Orphanet 140162, MedGen C0027672, MeSH D009386, MONDO:0015356.

Allele frequency attached by ClinVar (database versions not stated): gnomAD exomes below 0.00001.

Submission:

Ambry Genetics
Classification: Uncertain significance for Hereditary cancer-predisposing syndrome. Last evaluated: 2026-08-28. Review status: criteria provided, single submitter. Criteria: Ambry Variant Classification Scheme 2023. Collection method: clinical testing. Allele origin: germline.
Comment: The p.G467S variant (also known as c.1399G>A), located in coding exon 10 of the PTCH1 gene, results from a G to A substitution at nucleotide position 1399. The glycine at codon 467 is replaced by serine, an amino acid with similar properties. This amino acid position is conserved. In addition, this alteration is predicted to be deleterious by in silico analysis. Based on the available evidence, the clinical significance of this variant remains unclear.